The following is an entry in ClinVar:

ClinVar aggregate classification (germline): Benign. Review status: criteria provided, single submitter (1 of 4 stars). 2 submissions from 2 submitters: Benign (1). 1 of the submissions does not count toward it. Last evaluated 2015-08-24.

Allele frequency attached by ClinVar (database versions not stated): gnomAD exomes below 0.00001 and 0.00001; gnomAD 0.00002; ExAC 0.00003; TOPMed 0.00003.
gnomAD v4.1: 30 of 1,613,268 alleles (0.0019%); highest among the groups gnomAD compares: East Asian, 0.011%; no homozygotes.

Submissions (2):

GeneDx
Classification: Benign. Last evaluated: 2015-08-24. Review status: criteria provided, single submitter. Criteria: GeneDx Variant Classification (06012015). Collection method: clinical testing. Allele origin: germline. Affected: yes.
Comment: This variant is considered likely benign or benign based on one or more of the following criteria: it is a conservative change, it occurs at a poorly conserved position in the protein, it is predicted to be benign by multiple in silico algorithms, and/or has population frequency not consistent with disease.

Laboratory for Molecular Medicine, Mass General Brigham Personalized Medicine
No classification provided. Last evaluated: 2014-03-14. Review status: no classification provided. Collection method: clinical testing. Allele origin: germline. Observed: 1 variant allele. Not counted in ClinVar's aggregate classification.

NM_006393.3(NEBL):c.*4T>A

Gene: NEBL (nebulette; minus strand). Cytogenetic location: 10p12.31.
Variant type: single nucleotide variant.
Coding change: c.*4T>A on transcript NM_006393.3 (MANE Select); 4 bases downstream of the stop codon, T replaced by A.
Molecular consequence: 3 prime UTR variant.
Genome position (GRCh38, 1-based): chr10:20,785,743, A>T on the plus strand (T>A on the coding strand, the complement: NEBL is on the minus strand). VCF-style: chr10-20785743-A-T. GRCh37 (hg19) VCF-style: chr10-21074672-A-T.
Other names: c.*140T>A (NM_001173484.2); c.*4T>A (NM_001377322.1, NM_001377323.1, NM_001377324.1 and 5 more transcripts).
Identifiers: ClinVar variation 179556 (VCV000179556.4), dbSNP rs727504947, ClinGen allele CA184654.